The following is an entry in ClinVar:

NM_000287.4(PEX6):c.2131C>T (p.Gln711Ter)

Gene: PEX6 (peroxisomal biogenesis factor 6; minus strand). Cytogenetic location: 6p21.1.
Variant type: single nucleotide variant.
Coding change: c.2131C>T on transcript NM_000287.4 (MANE Select); coding-DNA position 2131, C replaced by T.
Protein change: p.Gln711Ter; replaces glutamine 711 with a stop codon.
Molecular consequence: nonsense.
Genome position (GRCh38, 1-based): chr6:42,966,411, G>A on the plus strand (C>T on the coding strand, the complement: PEX6 is on the minus strand). VCF-style: chr6-42966411-G-A. GRCh37 (hg19) VCF-style: chr6-42934149-G-A.
Other names: c.2131C>T (NM_000287.3); c.1867C>T, p.Gln623Ter (NM_001316313.2); short protein forms Q711*, Q623*.
Identifiers: ClinVar variation 4294475 (VCV004294475.2).
Genomic context (GRCh38, chr6:42,966,411, plus strand): 5'-GTAGCTCAGGGTGCTCCAGGGGGAGCTGAATGGTCTCCAGGATCTCCTTCTTCACCTCCT[G>A]CAGCCCACCCACATCATGCCAGGACACTGAGGGGATCTAGGAGATGGAAAGTGCGTGGTT-3'

ClinVar aggregate classification (germline): Likely pathogenic. Review status: criteria provided, multiple submitters, no conflicts (2 of 4 stars). 2 submissions from 2 submitters: Likely pathogenic (2). Last evaluated 2025-09-30.

Conditions:
Zellweger spectrum disorders (ZS). Also called: Zellweger Spectrum Disorder; Zellweger Spectrum; Zellweger Spectrum Disorder (ZSD); Zellweger syndrome. Identifiers: Orphanet 912, MedGen C0043459, MONDO:0019609.
Peroxisome biogenesis disorder 4A (Zellweger) (PBD4A). Also called: Zellweger syndrome spectrum (PEX6-related). Identifiers: Orphanet 912, MedGen C3553936, MONDO:0013930, OMIM 614862. Disease mechanism: loss of function.

Submissions (2):

Natera, Inc.
Classification: Likely pathogenic for Zellweger syndrome. Last evaluated: 2025-09-30. Review status: criteria provided, single submitter. Criteria: Natera Variant Classification Schema (03/2026). Collection method: clinical testing. Allele origin: germline.
Comment: The c.2131C>T variant in PEX6 is a nonsense variant predicted to introduce a stop codon at amino acid 711. This variant is expected to result in nonsense mediated decay, truncation, or a dysfunctional protein product. This variant is rare in the general population with a frequency below the threshold expected for the associated phenotype(s). Given the available evidence, this variant is classified as Likely Pathogenic.

Molecular Genetics Department, Kulakov National Medical Research Center for Obstetrics, Gynecology and Perinatology
Classification: Likely pathogenic for Peroxisome biogenesis disorder 4A (Zellweger). Review status: criteria provided, single submitter. Criteria: ACMG Guidelines, 2015. Collection method: clinical testing. Allele origin: germline. Affected: yes. Observed: 1 variant allele.
Comment: A previously undescribed heterozygous nucleotide variant creates a premature translation stop signal p.Gln711Ter in the PEX6 gene. Homozygous and compound heterozygous variants are reported in patients with Peroxisome biogenesis disorder 4A (Zellweger), 614862. The variant is not present in population database (gnomAD no frequency). The variant was found in trans position with the PEX6 variant (NM_000287.4:c.2722C>T). In summary, the currently available evidence indicates that the variant is pathogenic, but additional data are needed to prove that conclusively. Therefore, this variant has been classified as likely pathogenic.